The following is an entry in ClinVar:

NM_001042492.3(NF1):c.5238A>G (p.Leu1746=)

Gene: NF1 (neurofibromin 1; plus strand). Cytogenetic location: 17q11.2.
Variant type: single nucleotide variant.
Coding change: c.5238A>G on transcript NM_001042492.3 (MANE Select); coding-DNA position 5238, A replaced by G.
Protein change: p.Leu1746=; no amino-acid change (leucine 1746 retained).
Molecular consequence: synonymous variant.
Genome position (GRCh38, 1-based): chr17:31,326,222, A>G. VCF-style: chr17-31326222-A-G. GRCh37 (hg19) VCF-style: chr17-29653240-A-G.
Other names: c.5175A>G, p.Leu1725= (NM_000267.4).
Identifiers: ClinVar variation 480074 (VCV000480074.19), dbSNP rs779689556, ClinGen allele CA8487150.
Genomic context (GRCh38, chr17:31,326,222, plus strand): 5'-ACCTGCTGCCACCTTGGCTTTAGAAGAGGACCTGAAGGTATTCCACAATGCTCTCAAGCT[A>G]GCTCACAAAGACACCAAAGTTTCTATTAAAGTAAGTTCCAGTCTGTGTTTTGTAAACGAT-3'
Protein context (NP_001035957.1, residues 1736-1756): DLKVFHNALK[Leu1746=]AHKDTKVSIK

ClinVar aggregate classification (germline): Benign/Likely benign. Review status: criteria provided, multiple submitters, no conflicts (2 of 4 stars). 6 submissions from 6 submitters: Benign (1); Likely benign (5). Last evaluated 2026-05-20.

Conditions:
Hereditary cancer-predisposing syndrome. Also called: Hereditary neoplastic syndrome; Neoplastic Syndromes, Hereditary; Hereditary Cancer Syndrome; Tumor predisposition. Identifiers: Orphanet 140162, MedGen C0027672, MeSH D009386, MONDO:0015356.
Cardiovascular phenotype. Identifiers: MedGen CN230736.
Neurofibromatosis, type 1 (NF1). Also called: Peripheral type neurofibromatosis; Neurofibromatosis, type I; VON RECKLINGHAUSEN DISEASE; NEUROFIBROMATOSIS, TYPE I, SOMATIC. Identifiers: Orphanet 636, MedGen C0027831, MONDO:0018975, OMIM 162200. Disease mechanism: loss of function.

Allele frequency attached by ClinVar (database versions not stated): TOPMed 0.00002; ExAC 0.00001.
gnomAD v4.1: 3 of 1,611,556 alleles (0.00019%); highest among the groups gnomAD compares: Admixed American, 0.0017%; no homozygotes.

Submissions (6):

Myriad Genetics, Inc.
Classification: Benign for Neurofibromatosis, type 1. Last evaluated: 2026-05-20. Review status: criteria provided, single submitter. Criteria: Myriad Autosomal Dominant, Autosomal Recessive and X-Linked Classification Criteria (2023). Collection method: clinical testing. Allele origin: unknown.
Comment: This variant is considered benign. This variant is a silent/synonymous amino acid change and it is not expected to impact splicing.

Labcorp Genetics (formerly Invitae), Labcorp
Classification: Likely benign for Neurofibromatosis, type 1. Last evaluated: 2026-01-18. Review status: criteria provided, single submitter. Criteria: Invitae Variant Classification Sherloc (09022015). Collection method: clinical testing. Allele origin: germline.

Genome-Nilou Lab
Classification: Likely benign for Neurofibromatosis, type 1. Last evaluated: 2022-03-15. Review status: criteria provided, single submitter. Criteria: ACMG Guidelines, 2015. Collection method: clinical testing. Allele origin: germline. Affected: no.

Sema4
Classification: Likely benign for Hereditary cancer-predisposing syndrome. Last evaluated: 2022-01-21. Review status: criteria provided, single submitter. Criteria: Sema4 Curation Guidelines. Collection method: curation. Allele origin: germline.

GeneDx
Classification: Likely benign. Last evaluated: 2020-03-03. Review status: criteria provided, single submitter. Criteria: GeneDx Variant Classification Process June 2021. Collection method: clinical testing. Allele origin: germline. Affected: yes.

Ambry Genetics
Classification: Likely benign for Cardiovascular phenotype; Hereditary cancer-predisposing syndrome. Last evaluated: 2016-04-12. Review status: criteria provided, single submitter. Criteria: Ambry Variant Classification Scheme 2023. Collection method: clinical testing. Allele origin: germline.